The following is an entry in ClinVar:

NM_203447.4(DOCK8):c.2378A>T (p.His793Leu)

Gene: DOCK8 (dedicator of cytokinesis 8; plus strand). Cytogenetic location: 9p24.3.
Variant type: single nucleotide variant.
Coding change: c.2378A>T on transcript NM_203447.4 (MANE Select); coding-DNA position 2378, A replaced by T.
Protein change: p.His793Leu; replaces histidine 793 with leucine.
Molecular consequence: missense variant.
Genome position (GRCh38, 1-based): chr9:377,149, A>T. VCF-style: chr9-377149-A-T. GRCh37 (hg19) VCF-style: chr9-377149-A-T.
Other names: c.2174A>T, p.His725Leu (NM_001190458.2, NM_001193536.2); short protein forms H793L, H725L.
Identifiers: ClinVar variation 1520873 (VCV001520873.4), dbSNP rs1314604506, ClinGen allele CA372763381.

ClinVar aggregate classification (germline): Uncertain significance. Review status: criteria provided, multiple submitters, no conflicts (2 of 4 stars). 2 submissions from 2 submitters: Uncertain significance (2). Last evaluated 2024-09-03.

Conditions:
Combined immunodeficiency due to DOCK8 deficiency (HIES2). Also called: HYPER-IgE SYNDROME 2, AUTOSOMAL RECESSIVE, WITH RECURRENT INFECTIONS; HIES autosomal recessive; Hyper-IgE recurrent infection syndrome, autosomal recessive; HYPER-IgE RECURRENT INFECTION SYNDROME 2, AUTOSOMAL RECESSIVE; DOCK8 Deficiency. Identifiers: Orphanet 217390, MedGen C4722305, MONDO:0009478, OMIM 243700.

Allele frequency attached by ClinVar (database versions not stated): gnomAD exomes below 0.00001 and 0.00001; gnomAD 0.00001; TOPMed 0.00001.
gnomAD v4.1: 23 of 1,606,784 alleles (0.0014%); highest among the groups gnomAD compares: Non-Finnish European, 0.0019%; no homozygotes.

Submissions (2):

Blueprint Genetics
Classification: Uncertain significance. Last evaluated: 2024-09-03. Review status: criteria provided, single submitter. Criteria: ACMG Guidelines, 2015. Collection method: clinical testing. Allele origin: germline.

Labcorp Genetics (formerly Invitae), Labcorp
Classification: Uncertain significance for Combined immunodeficiency due to DOCK8 deficiency. Last evaluated: 2021-11-27. Review status: criteria provided, single submitter. Criteria: Invitae Variant Classification Sherloc (09022015). Collection method: clinical testing. Allele origin: germline.
Comment: This sequence change replaces histidine, which is basic and polar, with leucine, which is neutral and non-polar, at codon 793 of the DOCK8 protein (p.His793Leu). This variant is present in population databases (no rsID available, gnomAD 0.007%). This variant has not been reported in the literature in individuals affected with DOCK8-related conditions. Algorithms developed to predict the effect of missense changes on protein structure and function are either unavailable or do not agree on the potential impact of this missense change (SIFT: "Tolerated"; PolyPhen-2: "Possibly Damaging"; Align-GVGD: "Class C0"). In summary, the available evidence is currently insufficient to determine the role of this variant in disease. Therefore, it has been classified as a Variant of Uncertain Significance.